The following is an entry in ClinVar:

NM_001206979.2(NR1H4):c.1282C>G (p.Pro428Ala)

Gene: NR1H4 (nuclear receptor subfamily 1 group H member 4; plus strand). Cytogenetic location: 12q23.1.
Variant type: single nucleotide variant.
Coding change: c.1282C>G on transcript NM_001206979.2 (MANE Select); coding-DNA position 1282, C replaced by G.
Protein change: p.Pro428Ala; replaces proline 428 with alanine.
Molecular consequence: missense variant. On other transcripts: non-coding transcript variant (1).
Genome position (GRCh38, 1-based): chr12:100,563,340, C>G. VCF-style: chr12-100563340-C-G. GRCh37 (hg19) VCF-style: chr12-100957118-C-G.
Other names: p.Pro424Ala; c.1282C>G, p.Pro428Ala (NM_001206977.2); c.1129C>G, p.Pro377Ala (NM_001206978.2); c.1300C>G, p.Pro434Ala (NM_001206992.2); c.1312C>G, p.Pro438Ala (NM_001206993.2); c.1270C>G, p.Pro424Ala (NM_005123.4); c.1270C>G (NM_005123.3); short protein forms P377A, P424A, P428A, P434A, P438A.
Identifiers: ClinVar variation 2683212 (VCV002683212.2), dbSNP rs1955516556, ClinGen allele CA386223165.

ClinVar aggregate classification (germline): Uncertain significance. Review status: criteria provided, multiple submitters, no conflicts (2 of 4 stars). 2 submissions from 2 submitters: Uncertain significance (2). Last evaluated 2025-06-10.

Conditions:
Inborn genetic diseases. Identifiers: MedGen C0950123, MeSH D030342.

Allele frequency attached by ClinVar (database versions not stated): gnomAD exomes below 0.00001.
gnomAD v4.1: 1 of 1,614,088 alleles (0.000062%); highest among the groups gnomAD compares: Non-Finnish European, 0.000085%; no homozygotes.

Submissions (2):

Ambry Genetics
Classification: Uncertain significance for Inborn genetic diseases. Last evaluated: 2025-06-10. Review status: criteria provided, single submitter. Criteria: Ambry Variant Classification Scheme 2023. Collection method: clinical testing. Allele origin: germline.

Mayo Clinic Laboratories, Mayo Clinic
Classification: Uncertain significance. Last evaluated: 2023-06-01. Review status: criteria provided, single submitter. Criteria: ACMG Guidelines, 2015. Collection method: clinical testing. Allele origin: germline. Observed: 1 variant allele.
Comment: PM2